The following is an entry in ClinVar:

ClinVar aggregate classification (germline): Likely benign (1 of 4 stars; one submission).

Submission:

CeGaT Center for Human Genetics Tuebingen
Classification: Likely benign. Last evaluated: 2022-12-01. Review status: criteria provided, single submitter. Criteria: CeGaT Center For Human Genetics Tuebingen Variant Classification Criteria Version 2. Collection method: clinical testing. Allele origin: germline. Affected: yes. Observed: 1 variant allele.
Comment: CCDC136: PM2:Supporting, BP4, BP7

NM_022742.5(CCDC136):c.2853G>A (p.Glu951=)

Gene: CCDC136 (coiled-coil domain containing 136; plus strand). Cytogenetic location: 7q32.1.
Variant type: single nucleotide variant.
Coding change: c.2853G>A on transcript NM_022742.5 (MANE Select); coding-DNA position 2853, G replaced by A.
Protein change: p.Glu951=; no amino-acid change (glutamic acid 951 retained).
Molecular consequence: synonymous variant. On other transcripts: intron variant (8).
Genome position (GRCh38, 1-based): chr7:128,814,727, G>A. VCF-style: chr7-128814727-G-A. GRCh37 (hg19) VCF-style: chr7-128454781-G-A.
Other names: c.3003G>A, p.Glu1001= (NM_001367764.1); c.2913+1798G>A (NM_001363423.2); c.1756-3031G>A (NM_001367763.1); c.1240-3031G>A (NM_001367761.1); c.2877+1798G>A (NM_001363424.2); c.1720-3031G>A (NM_001367762.1); c.1204-3031G>A (NM_001201372.2); c.1090-3031G>A (NM_001367766.1); and 1 more.
Identifiers: ClinVar variation 2657989 (VCV002657989.24), dbSNP rs2536535903, ClinGen allele CA457573795.
Genomic context (GRCh38, chr7:128,814,727, plus strand): 5'-GCTGCAGCTGCAATACCAGGCTAGCATGGATGAGCAGGGGCGGCTTCTGGTAGTGCAGGA[G>A]CAGCTGGAGGGGCAGCTGCAGTGCTGCCAGGAGGAGCTCCGCCAGCTCAGGGAGAAGAGG-3'
Protein context (NP_073579.5, residues 941-961): DEQGRLLVVQ[Glu951=]QLEGQLQCCQ